The following is an entry in ClinVar:

NM_017654.4(SAMD9):c.874G>T (p.Val292Phe)

Gene: SAMD9 (sterile alpha motif domain containing 9; minus strand). Cytogenetic location: 7q21.2.
Variant type: single nucleotide variant.
Coding change: c.874G>T on transcript NM_017654.4 (MANE Select); coding-DNA position 874, G replaced by T.
Protein change: p.Val292Phe; replaces valine 292 with phenylalanine.
Molecular consequence: missense variant.
Genome position (GRCh38, 1-based): chr7:93,105,224, C>A on the plus strand (G>T on the coding strand, the complement: SAMD9 is on the minus strand). VCF-style: chr7-93105224-C-A. GRCh37 (hg19) VCF-style: chr7-92734537-C-A.
Other names: c.874G>T, p.Val292Phe (NM_001193307.2); short protein forms V292F.
Identifiers: ClinVar variation 1513444 (VCV001513444.6), dbSNP rs747041511, ClinGen allele CA368203539.
Genomic context (GRCh38, chr7:93,105,224, plus strand): 5'-GTGGAATAATGTCCACTTCAATAACAAATCTGTCAGATAGAGTACTATTTGGCAGTAAAA[C>A]TTCCACAAATCTTGGCTCTCGAATGCACTTCTTTGCTTGTTGGACTTGATGGTCTTCAAA-3'
Protein context (NP_060124.2, residues 282-302): KCIREPRFVE[Val292Phe]LLPNSTLSDR

ClinVar aggregate classification (germline): Uncertain significance (1 of 4 stars; one submission).

Submission:

Labcorp Genetics (formerly Invitae), Labcorp
Classification: Uncertain significance. Last evaluated: 2021-08-17. Review status: criteria provided, single submitter. Criteria: Invitae Variant Classification Sherloc (09022015). Collection method: clinical testing. Allele origin: germline.
Comment: This sequence change replaces valine with phenylalanine at codon 292 of the SAMD9 protein (p.Val292Phe). The valine residue is moderately conserved and there is a small physicochemical difference between valine and phenylalanine. This variant is not present in population databases (ExAC no frequency). This variant has not been reported in the literature in individuals affected with SAMD9-related conditions. Algorithms developed to predict the effect of missense changes on protein structure and function are either unavailable or do not agree on the potential impact of this missense change (SIFT: "Deleterious"; PolyPhen-2: "Probably Damaging"; Align-GVGD: "Class C0"). In summary, the available evidence is currently insufficient to determine the role of this variant in disease. Therefore, it has been classified as a Variant of Uncertain Significance.